The following is an entry in ClinVar:

NM_000719.7(CACNA1C):c.5817C>T (p.Leu1939=)

Genes: CACNA1C (calcium voltage-gated channel subunit alpha1 C; plus strand), CACNA1C-AS1 (CACNA1C antisense RNA 1; minus strand). Cytogenetic location: 12p13.33.
Variant type: single nucleotide variant.
Coding change: c.5817C>T on transcript NM_000719.7 (MANE Select); coding-DNA position 5817, C replaced by T.
Protein change: p.Leu1939=; no amino-acid change (leucine 1939 retained).
Molecular consequence: synonymous variant.
Genome position (GRCh38, 1-based): chr12:2,688,479, C>T. VCF-style: chr12-2688479-C-T. GRCh37 (hg19) VCF-style: chr12-2797645-C-T.
Other names: c.5961C>T, p.Leu1987= (NM_001129827.2); c.5940C>T, p.Leu1980= (NM_001129829.2); c.5922C>T, p.Leu1974= (NM_001129830.3, NM_001167624.3); c.5901C>T, p.Leu1967= (NM_001129831.2); c.5877C>T, p.Leu1959= (NM_001129832.2); c.5874C>T, p.Leu1958= (NM_001129833.2, NM_001129834.2, NM_001129835.2); c.5868C>T, p.Leu1956= (NM_001129836.2); c.5841C>T, p.Leu1947= (NM_001129837.2, NM_001129838.2); and 6 more.
Identifiers: ClinVar variation 2452660 (VCV002452660.2), dbSNP rs2534822205, ClinGen allele CA478087979.

ClinVar aggregate classification (germline): Uncertain significance (1 of 4 stars; one submission).

Conditions:
Cardiovascular phenotype. Identifiers: MedGen CN230736.

Allele frequency attached by ClinVar (database versions not stated): gnomAD exomes below 0.00001.
gnomAD v4.1: 1 of 1,613,750 alleles (0.000062%); highest among the groups gnomAD compares: Non-Finnish European, 0.000085%; no homozygotes.

Submission:

Ambry Genetics
Classification: Uncertain significance for Cardiovascular phenotype. Last evaluated: 2022-12-22. Review status: criteria provided, single submitter. Criteria: Ambry Variant Classification Scheme 2023. Collection method: clinical testing. Allele origin: germline.
Comment: The c.5817C>T variant (also known as p.L1939L), located in coding exon 46 of the CACNA1C gene, results from a C to T substitution at nucleotide position 5817. This nucleotide substitution does not change the leucine at codon 1939. This nucleotide position is poorly conserved in available vertebrate species. In silico splice site analysis for this alteration is inconclusive. Since supporting evidence is limited at this time, the clinical significance of this alteration remains unclear.